The following is an entry in ClinVar:

ClinVar aggregate classification (germline): Uncertain significance (1 of 4 stars; one submission).

Conditions:
DOCK2 deficiency. Also called: Immunodeficiency 40. Identifiers: Orphanet 447737, MedGen C4225328, MONDO:0014637, OMIM 616433.

Submission:

Labcorp Genetics (formerly Invitae), Labcorp
Classification: Uncertain significance for DOCK2 deficiency. Last evaluated: 2022-08-22. Review status: criteria provided, single submitter. Criteria: Invitae Variant Classification Sherloc (09022015). Collection method: clinical testing. Allele origin: germline.
Comment: This sequence change replaces aspartic acid, which is acidic and polar, with asparagine, which is neutral and polar, at codon 8 of the DOCK2 protein (p.Asp8Asn). This variant is not present in population databases (gnomAD no frequency). This variant has not been reported in the literature in individuals affected with DOCK2-related conditions. Algorithms developed to predict the effect of missense changes on protein structure and function (SIFT, PolyPhen-2, Align-GVGD) all suggest that this variant is likely to be tolerated. In summary, the available evidence is currently insufficient to determine the role of this variant in disease. Therefore, it has been classified as a Variant of Uncertain Significance.

NM_004946.3(DOCK2):c.22G>A (p.Asp8Asn)

Genes: DOCK2 (dedicator of cytokinesis 2; plus strand), LOC129995219 (ATAC-STARR-seq lymphoblastoid silent region 16601; plus strand). Cytogenetic location: 5q35.1.
Variant type: single nucleotide variant.
Coding change: c.22G>A on transcript NM_004946.3 (MANE Select); coding-DNA position 22, G replaced by A.
Protein change: p.Asp8Asn; replaces aspartic acid 8 with asparagine.
Molecular consequence: missense variant. On other transcripts: non-coding transcript variant (1).
Genome position (GRCh38, 1-based): chr5:169,637,348, G>A. VCF-style: chr5-169637348-G-A. GRCh37 (hg19) VCF-style: chr5-169064352-G-A.
Other names: short protein forms D8N.
Identifiers: ClinVar variation 1978946 (VCV001978946.1), dbSNP rs2532312639, ClinGen allele CA362103065.